The following is an entry in ClinVar:

ClinVar aggregate classification (germline): Uncertain significance (0 of 4 stars; one submission).

Conditions:
VPS13B-related disorder. Also called: VPS13B-related condition.

Submission:

PreventionGenetics, part of Exact Sciences
Classification: Uncertain significance for VPS13B-related condition. Last evaluated: 2024-05-30. Review status: no assertion criteria provided. Collection method: clinical testing. Allele origin: germline.
Comment: The VPS13B c.9042C>A variant is predicted to result in the amino acid substitution p.His3014Gln. To our knowledge, this variant has not been reported in the literature or in a large population database, indicating this variant is rare. At this time, the clinical significance of this variant is uncertain due to the absence of conclusive functional and genetic evidence.

NM_152564.5(VPS13B):c.9042C>A (p.His3014Gln)

Gene: VPS13B (vacuolar protein sorting 13 homolog B; plus strand). Cytogenetic location: 8q22.2.
Variant type: single nucleotide variant.
Coding change: c.9042C>A on transcript NM_152564.5 (MANE Select); coding-DNA position 9042, C replaced by A.
Protein change: p.His3014Gln; replaces histidine 3014 with glutamine.
Molecular consequence: missense variant.
Genome position (GRCh38, 1-based): chr8:99,821,341, C>A. VCF-style: chr8-99821341-C-A. GRCh37 (hg19) VCF-style: chr8-100833569-C-A.
Other names: c.9117C>A, p.His3039Gln (NM_017890.5); short protein forms H3014Q, H3039Q.
Identifiers: ClinVar variation 3346807 (VCV003346807.1).
Genomic context (GRCh38, chr8:99,821,341, plus strand): 5'-ATTATTTTTCCAGGAAGCTTTTCAAATTGGAATATACTGGGCAAATACAAACACTGTGCA[C>A]AAGTCAGTAGCAATTAAACTGGTCCATAACCTGACATCTCCAAAGTGGAAAGATGGAGGT-3'
Protein context (NP_689777.3, residues 3004-3024): GIYWANTNTV[His3014Gln]KSVAIKLVHN